The following is an entry in ClinVar:

NM_001378615.1(CC2D2A):c.4005T>A (p.Ile1335=)

Genes: CC2D2A (coiled-coil and C2 domain containing 2A; plus strand), FBXL5 (F-box and leucine rich repeat protein 5; minus strand). Cytogenetic location: 4p15.32.
Variant type: single nucleotide variant.
Coding change: c.4005T>A on transcript NM_001378615.1 (MANE Select); coding-DNA position 4005, T replaced by A.
Protein change: p.Ile1335=; no amino-acid change (isoleucine 1335 retained).
Molecular consequence: synonymous variant.
Genome position (GRCh38, 1-based): chr4:15,586,186, T>A. VCF-style: chr4-15586186-T-A. GRCh37 (hg19) VCF-style: chr4-15587809-T-A.
Other names: c.4005T>A, p.Ile1335= (NM_001080522.2); c.3858T>A, p.Ile1286= (NM_001378617.1).
Identifiers: ClinVar variation 166805 (VCV000166805.23), dbSNP rs199688524, ClinGen allele CA233634.

ClinVar aggregate classification (germline): Conflicting classifications of pathogenicity. Review status: criteria provided, conflicting classifications (1 of 4 stars). 6 submissions from 5 submitters: Uncertain significance (3); Likely benign (3). Last evaluated 2026-08-01.

Conditions:
Joubert syndrome. Also called: JOUBERT-BOLTSHAUSER SYNDROME; Familial aplasia of the vermis. Identifiers: Orphanet 475, MedGen C5979921, MONDO:0018772.
Meckel-Gruber syndrome. Also called: DYSENCEPHALIA SPLANCHNOCYSTICA; GRUBER SYNDROME; Dysencephalia splachnocystica. Identifiers: Orphanet 564, MedGen C0265215, MONDO:0018921.
Joubert syndrome 9 (JBTS9). Identifiers: Orphanet 2318, MedGen C2676788, MONDO:0012849, OMIM 612285.
Meckel syndrome, type 6. Identifiers: Orphanet 564, MedGen C2676790, MONDO:0012848, OMIM 612284.

Allele frequency attached by ClinVar (database versions not stated): gnomAD 0.00012; gnomAD exomes 0.00013 and 0.00025; TOPMed 0.00014; ESP Exome Variant Server 0.00017; ExAC 0.00021.
gnomAD v4.1: 220 of 1,610,702 alleles (0.014%); highest among the groups gnomAD compares: Middle Eastern, 0.016%; 1 homozygote.

Submissions (6):

CeGaT Center for Human Genetics Tuebingen
Classification: Likely benign. Last evaluated: 2026-08-01. Review status: criteria provided, single submitter. Criteria: CeGaT Center For Human Genetics Tuebingen Variant Classification Criteria Version 2. Collection method: clinical testing. Allele origin: germline. Affected: yes. Observed: 2 variant alleles.
Comment: CC2D2A: BP4, BP7

Labcorp Genetics (formerly Invitae), Labcorp
Classification: Likely benign for Joubert syndrome; Meckel-Gruber syndrome. Last evaluated: 2026-01-20. Review status: criteria provided, single submitter. Criteria: Invitae Variant Classification Sherloc (09022015). Collection method: clinical testing. Allele origin: germline.

Blueprint Genetics
Classification: Likely benign. Last evaluated: 2024-11-18. Review status: criteria provided, single submitter. Criteria: ACMG Guidelines, 2015. Collection method: clinical testing. Allele origin: germline.

Illumina Laboratory Services, Illumina
Classification: Uncertain significance for Joubert syndrome 9. Last evaluated: 2018-01-13. Review status: criteria provided, single submitter. Criteria: ICSL Variant Classification Criteria 13 December 2019. Collection method: clinical testing. Allele origin: germline.

Illumina Laboratory Services, Illumina
Classification: Uncertain significance for Meckel syndrome, type 6. Last evaluated: 2018-01-13. Review status: criteria provided, single submitter. Criteria: ICSL Variant Classification Criteria 13 December 2019. Collection method: clinical testing. Allele origin: germline.

Eurofins Ntd Llc (ga)
Classification: Uncertain significance. Last evaluated: 2017-08-15. Review status: criteria provided, single submitter. Criteria: EGL Classification Definitions 2015. Collection method: clinical testing. Allele origin: germline. Observed: 2 variant alleles, 2 heterozygotes.